The following is an entry in ClinVar:

ClinVar aggregate classification (germline): Uncertain significance (1 of 4 stars; one submission).

Conditions:
Mucopolysaccharidosis, MPS-III-B (MPS3B). Also called: N-ACETYL-ALPHA-D-GLUCOSAMINIDASE DEFICIENCY; NAGLU DEFICIENCY; SANFILIPPO SYNDROME B; MPS III B; Mucopolysaccharidosis type IIIB (Sanfilippo B); MPS IIIB (Sanfilippo Syndrome Type B). Identifiers: Orphanet 79270, MedGen C0086648, MONDO:0009656, OMIM 252920.
Charcot-Marie-Tooth disease axonal type 2V. Also called: CHARCOT-MARIE-TOOTH NEUROPATHY, TYPE 2V; CHARCOT-MARIE-TOOTH DISEASE, AXONAL, AUTOSOMAL DOMINANT, TYPE 2V. Identifiers: Orphanet 447964, MedGen C5569050, MONDO:0014665, OMIM 616491.

Submission:

Labcorp Genetics (formerly Invitae), Labcorp
Classification: Uncertain significance for Charcot-Marie-Tooth disease axonal type 2V; Mucopolysaccharidosis, MPS-III-B. Last evaluated: 2022-05-12. Review status: criteria provided, single submitter. Criteria: Invitae Variant Classification Sherloc (09022015). Collection method: clinical testing. Allele origin: germline.
Comment: This sequence change replaces leucine, which is neutral and non-polar, with arginine, which is basic and polar, at codon 67 of the NAGLU protein (p.Leu67Arg). This variant is not present in population databases (gnomAD no frequency). This variant has not been reported in the literature in individuals affected with NAGLU-related conditions. Advanced modeling of protein sequence and biophysical properties (such as structural, functional, and spatial information, amino acid conservation, physicochemical variation, residue mobility, and thermodynamic stability) performed at Invitae indicates that this missense variant is expected to disrupt NAGLU protein function. In summary, the available evidence is currently insufficient to determine the role of this variant in disease. Therefore, it has been classified as a Variant of Uncertain Significance.

NM_000263.4(NAGLU):c.200T>G (p.Leu67Arg)

Genes: NAGLU (N-acetyl-alpha-glucosaminidase; plus strand), LOC130060903 (ATAC-STARR-seq lymphoblastoid silent region 8533; plus strand). Cytogenetic location: 17q21.2.
Variant type: single nucleotide variant.
Coding change: c.200T>G on transcript NM_000263.4 (MANE Select); coding-DNA position 200, T replaced by G.
Protein change: p.Leu67Arg; replaces leucine 67 with arginine.
Molecular consequence: missense variant.
Genome position (GRCh38, 1-based): chr17:42,536,472, T>G. VCF-style: chr17-42536472-T-G. GRCh37 (hg19) VCF-style: chr17-40688490-T-G.
Other names: short protein forms L67R.
Identifiers: ClinVar variation 1993460 (VCV001993460.4), dbSNP rs1486608317, ClinGen allele CA399595624.